The following is an entry in ClinVar:

NM_001145809.2(MYH14):c.6088T>A (p.Ser2030Thr)

Gene: MYH14 (myosin heavy chain 14; plus strand). Cytogenetic location: 19q13.33.
Variant type: single nucleotide variant.
Coding change: c.6088T>A on transcript NM_001145809.2 (MANE Select); coding-DNA position 6088, T replaced by A.
Protein change: p.Ser2030Thr; replaces serine 2030 with threonine.
Molecular consequence: missense variant.
Genome position (GRCh38, 1-based): chr19:50,309,767, T>A. VCF-style: chr19-50309767-T-A. GRCh37 (hg19) VCF-style: chr19-50813024-T-A.
Other names: c.5989T>A, p.Ser1997Thr (NM_001077186.2); c.5965T>A, p.Ser1989Thr (NM_024729.4); short protein forms S2030T, S1997T, S1989T.
Identifiers: ClinVar variation 164209 (VCV000164209.46), dbSNP rs727503231, ClinGen allele CA176933.

ClinVar aggregate classification (germline): Uncertain significance. Review status: criteria provided, multiple submitters, no conflicts (2 of 4 stars). 2 submissions from 2 submitters: Uncertain significance (2). Last evaluated 2018-01-01.

Allele frequency attached by ClinVar (database versions not stated): gnomAD exomes 0.00001.
gnomAD v4.1: 1 of 1,570,926 alleles (0.000064%); highest among the groups gnomAD compares: South Asian, 0.0012%; no homozygotes.

Submissions (2):

CeGaT Center for Human Genetics Tuebingen
Classification: Uncertain significance. Last evaluated: 2018-01-01. Review status: criteria provided, single submitter. Criteria: CeGaT Center For Human Genetics Tuebingen Variant Classification Criteria Version 2. Collection method: clinical testing. Allele origin: germline. Affected: yes. Observed: 1 variant allele.

Laboratory for Molecular Medicine, Mass General Brigham Personalized Medicine
Classification: Uncertain significance. Last evaluated: 2013-12-12. Review status: criteria provided, single submitter. Criteria: LMM Criteria. Collection method: clinical testing. Allele origin: germline. Observed: 1 variant allele.
Comment: Variant classified as Uncertain Significance - Favor Benign. The Ser2030Thr vari ant in MYH14 has not been previously reported in individuals with hearing loss o r in large population studies. Computational analyses (biochemical amino acid pr operties, conservation, AlignGVGD, PolyPhen2, and SIFT) suggest that the Ser2030 Thr variant may not impact the protein, though this information is not predictiv e enough to rule out pathogenicity. In summary, the clinical significance of thi s variant cannot be determined with certainty; however based upon the conservati on and computational data, we would lean towards a more likely benign role.